The following is an entry in ClinVar:

ClinVar aggregate classification (germline): Uncertain significance (1 of 4 stars; one submission).

Conditions:
Congenital myopathy with internal nuclei and atypical cores. Also called: Myopathy, centronuclear, 4. Identifiers: Orphanet 319160, MedGen C4707232, MONDO:0013890, OMIM 614807.

Submission:

Labcorp Genetics (formerly Invitae), Labcorp
Classification: Uncertain significance for Congenital myopathy with internal nuclei and atypical cores. Last evaluated: 2025-09-16. Review status: criteria provided, single submitter. Criteria: Invitae Variant Classification Sherloc (09022015). Collection method: clinical testing. Allele origin: germline.
Comment: This sequence change creates a premature translational stop signal (p.His142Glnfs*15) in the CCDC78 gene. It is expected to result in an absent or disrupted protein product. However, the current clinical and genetic evidence is not sufficient to establish whether loss-of-function variants in CCDC78 cause disease. This variant is present in population databases (no rsID available, gnomAD 0.0009%). This variant has not been reported in the literature in individuals affected with CCDC78-related conditions. In summary, the available evidence is currently insufficient to determine the role of this variant in disease. Therefore, it has been classified as a Variant of Uncertain Significance.

NM_001378030.1(CCDC78):c.426_427del (p.His142fs)

Gene: CCDC78 (coiled-coil domain containing 78; minus strand). Cytogenetic location: 16p13.3.
Variant type: Microsatellite.
Coding change: c.426_427del on transcript NM_001378030.1 (MANE Select); coding-DNA positions 426 to 427, 2 bases deleted (CA; older notation c.426_427delCA).
Protein change: p.His142fs; shifts the reading frame from histidine 142.
Molecular consequence: frameshift variant. On other transcripts: non-coding transcript variant (4), intron variant (1).
Genome position (GRCh38, 1-based): chr16:725,421-725,422, TG deleted on the plus strand (CA on the coding strand, the reverse complement: CCDC78 is on the minus strand); deleting any 2 consecutive bases within chr16:725,421-725,424 gives the same sequence; the c. name uses the placement nearest the transcript's 3' end. VCF-style (leftmost placement, unchanged base first): chr16-725420-CTG-C. GRCh37 (hg19) VCF-style: chr16-775420-CTG-C.
Other names: c.426_427del, p.His142fs (NM_001031737.3, NM_001378031.1); c.-18-129_-18-128del (NM_001378033.1); short protein forms H142fs.
Identifiers: ClinVar variation 2065569 (VCV002065569.4), dbSNP rs1229538224, ClinGen allele CA620309295.